The following is an entry in ClinVar:

ClinVar aggregate classification (germline): Uncertain significance (1 of 4 stars; one submission).

Allele frequency attached by ClinVar (database versions not stated): ExAC 0.00001; gnomAD 0.00001; gnomAD exomes 0.00001.

Submission:

Labcorp Genetics (formerly Invitae), Labcorp
Classification: Uncertain significance. Last evaluated: 2022-08-20. Review status: criteria provided, single submitter. Criteria: Invitae Variant Classification Sherloc (09022015). Collection method: clinical testing. Allele origin: germline.
Comment: In summary, the available evidence is currently insufficient to determine the role of this variant in disease. Therefore, it has been classified as a Variant of Uncertain Significance. Algorithms developed to predict the effect of missense changes on protein structure and function are either unavailable or do not agree on the potential impact of this missense change (SIFT: "Tolerated"; PolyPhen-2: "Possibly Damaging"; Align-GVGD: "Class C0"). This variant has not been reported in the literature in individuals affected with NAA15-related conditions. This variant is present in population databases (rs749388500, gnomAD 0.0009%). This sequence change replaces arginine, which is basic and polar, with glutamine, which is neutral and polar, at codon 201 of the NAA15 protein (p.Arg201Gln).

NM_057175.5(NAA15):c.602G>A (p.Arg201Gln)

Gene: NAA15 (N-alpha-acetyltransferase 15, NatA auxiliary subunit; plus strand). Cytogenetic location: 4q31.1.
Variant type: single nucleotide variant.
Coding change: c.602G>A on transcript NM_057175.5 (MANE Select); coding-DNA position 602, G replaced by A.
Protein change: p.Arg201Gln; replaces arginine 201 with glutamine.
Molecular consequence: missense variant.
Genome position (GRCh38, 1-based): chr4:139,344,250, G>A. VCF-style: chr4-139344250-G-A. GRCh37 (hg19) VCF-style: chr4-140265404-G-A.
Other names: c.602G>A, p.Arg201Gln (NM_001410842.1, NM_025085.2); short protein forms R201Q.
Identifiers: ClinVar variation 2011883 (VCV002011883.4), dbSNP rs749388500, ClinGen allele CA3083421.